The following is an entry in ClinVar:

ClinVar aggregate classification (germline): Uncertain significance. Review status: criteria provided, multiple submitters, no conflicts (2 of 4 stars). 2 submissions from 2 submitters: Uncertain significance (2). Last evaluated 2025-09-05.

Conditions:
Short-rib thoracic dysplasia 6 with or without polydactyly (SRTD6). Also called: Majewski Syndrome; SHORT-RIB THORACIC DYSPLASIA 6 WITH POLYDACTYLY; SHORT-RIB THORACIC DYSPLASIA 6 WITHOUT POLYDACTYLY; POLYDACTYLY WITH NEONATAL CHONDRODYSTROPHY, TYPE II; SHORT RIB-POLYDACTYLY SYNDROME, TYPE IIA. Identifiers: MedGen C0024507, MONDO:0009894, OMIM 263520.
Inborn genetic diseases. Identifiers: MedGen C0950123, MeSH D030342.

Submissions (2):

Ambry Genetics
Classification: Uncertain significance for Inborn genetic diseases. Last evaluated: 2025-09-05. Review status: criteria provided, single submitter. Criteria: Ambry Variant Classification Scheme 2023. Collection method: clinical testing. Allele origin: germline.

Labcorp Genetics (formerly Invitae), Labcorp
Classification: Uncertain significance for Short-rib thoracic dysplasia 6 with or without polydactyly. Last evaluated: 2023-02-26. Review status: criteria provided, single submitter. Criteria: Invitae Variant Classification Sherloc (09022015). Collection method: clinical testing. Allele origin: germline.
Comment: This variant is not present in population databases (gnomAD no frequency). In summary, the available evidence is currently insufficient to determine the role of this variant in disease. Therefore, it has been classified as a Variant of Uncertain Significance. Advanced modeling of protein sequence and biophysical properties (such as structural, functional, and spatial information, amino acid conservation, physicochemical variation, residue mobility, and thermodynamic stability) performed at Invitae indicates that this missense variant is expected to disrupt NEK1 protein function. This variant has not been reported in the literature in individuals affected with NEK1-related conditions. This sequence change replaces glutamic acid, which is acidic and polar, with lysine, which is basic and polar, at codon 1162 of the NEK1 protein (p.Glu1162Lys).

NM_001199397.3(NEK1):c.3568G>A (p.Glu1190Lys)

Gene: NEK1 (NIMA related kinase 1; minus strand). Cytogenetic location: 4q33.
Variant type: single nucleotide variant.
Coding change: c.3568G>A on transcript NM_001199397.3 (MANE Select); coding-DNA position 3568, G replaced by A.
Protein change: p.Glu1190Lys; replaces glutamic acid 1190 with lysine.
Molecular consequence: missense variant. On other transcripts: non-coding transcript variant (1).
Genome position (GRCh38, 1-based): chr4:169,401,667, C>T on the plus strand (G>A on the coding strand, the complement: NEK1 is on the minus strand). VCF-style: chr4-169401667-C-T. GRCh37 (hg19) VCF-style: chr4-170322818-C-T.
Other names: c.3484G>A (NM_012224.2); c.3436G>A, p.Glu1146Lys (NM_001199398.3); c.3277G>A, p.Glu1093Lys (NM_001199399.3); c.3352G>A, p.Glu1118Lys (NM_001199400.3); c.3568G>A, p.Glu1190Lys (NM_001374418.1); c.3484G>A, p.Glu1162Lys (NM_001374419.1, NM_012224.4); c.3433G>A, p.Glu1145Lys (NM_001374420.1); c.3085G>A, p.Glu1029Lys (NM_001374421.1); short protein forms E1118K, E1146K, E1029K, E1190K, E1145K, E1162K, E1093K.
Identifiers: ClinVar variation 2798818 (VCV002798818.4), dbSNP rs2477587719, ClinGen allele CA358800311.